The following is an entry in ClinVar:

NM_198506.5(LRIT3):c.895G>C (p.Val299Leu)

Gene: LRIT3 (leucine rich repeat, Ig-like and transmembrane domains 3; plus strand). Cytogenetic location: 4q25.
Variant type: single nucleotide variant.
Coding change: c.895G>C on transcript NM_198506.5 (MANE Select); coding-DNA position 895, G replaced by C.
Protein change: p.Val299Leu; replaces valine 299 with leucine.
Molecular consequence: missense variant.
Genome position (GRCh38, 1-based): chr4:109,867,946, G>C. VCF-style: chr4-109867946-G-C. GRCh37 (hg19) VCF-style: chr4-110789102-G-C.
Other names: short protein forms V299L.
Identifiers: ClinVar variation 1436682 (VCV001436682.6), dbSNP rs113098639, ClinGen allele CA3043080.

ClinVar aggregate classification (germline): Uncertain significance. Review status: criteria provided, multiple submitters, no conflicts (2 of 4 stars). 3 submissions from 3 submitters: Uncertain significance (3). Last evaluated 2022-09-07.

Allele frequency attached by ClinVar (database versions not stated): ExAC 0.00009; TOPMed 0.00014; 1000 Genomes Project 30x 0.00016; gnomAD 0.00017 and 0.00019; 1000 Genomes Project 0.00020; ESP Exome Variant Server 0.00054.
gnomAD v4.1: 49 of 1,604,628 alleles (0.0031%); highest among the groups gnomAD compares: African/African-American, 0.064%; no homozygotes.

Submissions (4):

Labcorp Genetics (formerly Invitae), Labcorp
Classification: Uncertain significance. Last evaluated: 2022-09-07. Review status: criteria provided, single submitter. Criteria: Invitae Variant Classification Sherloc (09022015). Collection method: clinical testing. Allele origin: germline.
Comment: This sequence change affects codon 299 of the LRIT3 mRNA. It is a 'silent' change, meaning that it does not change the encoded amino acid sequence of the LRIT3 protein. This variant also falls at the last nucleotide of exon 3, which is part of the consensus splice site for this exon. This variant is present in population databases (rs113098639, gnomAD 0.09%). This variant has not been reported in the literature in individuals affected with LRIT3-related conditions. ClinVar contains an entry for this variant (Variation ID: 1436682). Algorithms developed to predict the effect of missense changes on protein structure and function (SIFT, PolyPhen-2, Align-GVGD) all suggest that this variant is likely to be disruptive. Variants that disrupt the consensus splice site are a relatively common cause of aberrant splicing (PMID: 17576681, 9536098). Algorithms developed to predict the effect of sequence changes on RNA splicing suggest that this variant may disrupt the consensus splice site. In summary, the available evidence is currently insufficient to determine the role of this variant in disease. Therefore, it has been classified as a Variant of Uncertain Significance.

Blueprint Genetics
Classification: Uncertain significance. Last evaluated: 2020-01-30. Review status: criteria provided, single submitter. Criteria: ACMG Guidelines, 2015. Collection method: clinical testing. Allele origin: germline.

Breakthrough Genomics
Classification: Uncertain significance. Review status: criteria provided, single submitter. Criteria: ACMG Guidelines, 2015. Collection method: not provided. Allele origin: germline. Inheritance: Autosomal recessive inheritance. Affected: yes.

Dr. Peter K. Rogan Lab, Western University
No classification provided (evidence only). Condition: Sarcoma. Review status: no classification provided. Collection method: in vitro. Allele origin: not applicable. Functional consequence: retained intron. Not counted in ClinVar's aggregate classification.

Literature cited by the submitters: PubMed 17576681 (cited by Labcorp Genetics (formerly Invitae), Labcorp); PubMed 9536098 (cited by Labcorp Genetics (formerly Invitae), Labcorp).